The following is an entry in ClinVar:

ClinVar aggregate classification (germline): Likely benign. Review status: criteria provided, single submitter (1 of 4 stars). 2 submissions from 2 submitters: Likely benign (1). 1 of the submissions does not count toward it. Last evaluated 2024-10-17.

Conditions:
ARHGEF18-related disorder. Also called: ARHGEF18-related condition.

Allele frequency attached by ClinVar (database versions not stated): ExAC 0.00002; gnomAD 0.00002; gnomAD exomes 0.00002; TOPMed 0.00003.
gnomAD v4.1: 29 of 1,613,992 alleles (0.0018%); highest among the groups gnomAD compares: Non-Finnish European, 0.0023%; no homozygotes.

Submissions (2):

Labcorp Genetics (formerly Invitae), Labcorp
Classification: Likely benign. Last evaluated: 2024-10-17. Review status: criteria provided, single submitter. Criteria: Invitae Variant Classification Sherloc (09022015). Collection method: clinical testing. Allele origin: germline.

PreventionGenetics, part of Exact Sciences
Classification: Likely benign for ARHGEF18-related condition. Last evaluated: 2019-08-21. Review status: no assertion criteria provided. Collection method: clinical testing. Allele origin: germline. Not counted in ClinVar's aggregate classification.
Comment: This variant is classified as likely benign based on ACMG/AMP sequence variant interpretation guidelines (Richards et al. 2015 PMID: 25741868, with internal and published modifications).

NM_001367823.1(ARHGEF18):c.1338G>A (p.Val446=)

Gene: ARHGEF18 (Rho/Rac guanine nucleotide exchange factor 18; plus strand). Cytogenetic location: 19p13.2.
Variant type: single nucleotide variant.
Coding change: c.1338G>A on transcript NM_001367823.1 (MANE Select); coding-DNA position 1338, G replaced by A.
Protein change: p.Val446=; no amino-acid change (valine 446 retained).
Molecular consequence: synonymous variant.
Genome position (GRCh38, 1-based): chr19:7,442,030, G>A. VCF-style: chr19-7442030-G-A. GRCh37 (hg19) VCF-style: chr19-7506916-G-A.
Other names: c.774G>A (NM_001130955.1); c.612G>A, p.Val204= (NM_001130955.2); c.300G>A, p.Val100= (NM_001367824.1, NM_015318.4).
Identifiers: ClinVar variation 1156681 (VCV001156681.11), dbSNP rs753955584, ClinGen allele CA9136433.